The following is an entry in ClinVar:

NM_053025.4(MYLK):c.1605C>T (p.Cys535=)

Gene: MYLK (myosin light chain kinase; minus strand). Cytogenetic location: 3q21.1.
Variant type: single nucleotide variant.
Coding change: c.1605C>T on transcript NM_053025.4 (MANE Select); coding-DNA position 1605, C replaced by T.
Protein change: p.Cys535=; no amino-acid change (cysteine 535 retained).
Molecular consequence: synonymous variant.
Genome position (GRCh38, 1-based): chr3:123,725,990, G>A on the plus strand (C>T on the coding strand, the complement: MYLK is on the minus strand). VCF-style: chr3-123725990-G-A. GRCh37 (hg19) VCF-style: chr3-123444837-G-A.
Other names: c.1077C>T, p.Cys359= (NM_001321309.2); c.1398C>T, p.Cys466= (NM_053026.4, NM_053028.4); c.1605C>T, p.Cys535= (NM_053027.4).
Identifiers: ClinVar variation 513021 (VCV000513021.9), dbSNP rs762735266, ClinGen allele CA067250.

ClinVar aggregate classification (germline): Likely benign. Review status: criteria provided, multiple submitters, no conflicts (2 of 4 stars). 3 submissions from 3 submitters: Likely benign (3). Last evaluated 2026-02-02.

Conditions:
Familial thoracic aortic aneurysm and aortic dissection (TAAD). Also called: Thoracic aortic aneurysms and dissections. Identifiers: Orphanet 91387, MedGen C4707243, MONDO:0019625.
Aortic aneurysm, familial thoracic 7 (AAT7). Also called: AORTIC DISSECTION, FAMILIAL, WITH OR WITHOUT AORTIC ANEURYSM. Identifiers: MedGen C3151077, MONDO:0013418, OMIM 613780.

Allele frequency attached by ClinVar (database versions not stated): gnomAD exomes below 0.00001 and 0.00001; ExAC 0.00001.
gnomAD v4.1: 10 of 1,614,214 alleles (0.00062%); highest among the groups gnomAD compares: Non-Finnish European, 0.00085%; no homozygotes.

Submissions (3):

Labcorp Genetics (formerly Invitae), Labcorp
Classification: Likely benign for Aortic aneurysm, familial thoracic 7. Last evaluated: 2026-02-02. Review status: criteria provided, single submitter. Criteria: Invitae Variant Classification Sherloc (09022015). Collection method: clinical testing. Allele origin: germline.

Ambry Genetics
Classification: Likely benign for Familial thoracic aortic aneurysm and aortic dissection. Last evaluated: 2025-12-16. Review status: criteria provided, single submitter. Criteria: Ambry Variant Classification Scheme 2023. Collection method: clinical testing. Allele origin: germline.

GeneDx
Classification: Likely benign. Last evaluated: 2017-10-31. Review status: criteria provided, single submitter. Criteria: GeneDx Variant Classification (06012015). Collection method: clinical testing. Allele origin: germline. Affected: yes.
Comment: This variant is considered likely benign or benign based on one or more of the following criteria: it is a conservative change, it occurs at a poorly conserved position in the protein, it is predicted to be benign by multiple in silico algorithms, and/or has population frequency not consistent with disease.